The following is an entry in ClinVar:

ClinVar aggregate classification (germline): Uncertain significance (1 of 4 stars; one submission).

Submission:

GeneDx
Classification: Uncertain significance. Last evaluated: 2022-06-14. Review status: criteria provided, single submitter. Criteria: GeneDx Variant Classification Process June 2021. Collection method: clinical testing. Allele origin: germline. Affected: yes.
Comment: Not observed at significant frequency in large population cohorts (gnomAD); In silico analysis supports that this missense variant does not alter protein structure/function; Has not been previously published as pathogenic or benign to our knowledge

NM_005215.4(DCC):c.532C>G (p.Gln178Glu)

Gene: DCC (DCC netrin 1 receptor; plus strand). Cytogenetic location: 18q21.2.
Variant type: single nucleotide variant.
Coding change: c.532C>G on transcript NM_005215.4 (MANE Select); coding-DNA position 532, C replaced by G.
Protein change: p.Gln178Glu; replaces glutamine 178 with glutamic acid.
Molecular consequence: missense variant.
Genome position (GRCh38, 1-based): chr18:52,906,163, C>G. VCF-style: chr18-52906163-C-G. GRCh37 (hg19) VCF-style: chr18-50432533-C-G.
Other names: short protein forms Q178E.
Identifiers: ClinVar variation 1804232 (VCV001804232.1), dbSNP rs1429137702, ClinGen allele CA402513725.
Genomic context (GRCh38, chr18:52,906,163, plus strand): 5'-CTACTCAAGTGTGAAGTCATTGGGGAGCCCATGCCAACAATCCACTGGCAGAAGAACCAA[C>G]AAGACCTGACTCCAATCCCAGGTGACTCCCGAGTGGTGGTCTTGCCCTCTGGAGCATTGC-3'
Protein context (NP_005206.2, residues 168-188): MPTIHWQKNQ[Gln178Glu]DLTPIPGDSR